The following is an entry in ClinVar:

ClinVar aggregate classification (germline): Uncertain significance (1 of 4 stars; one submission).

Conditions:
Autosomal recessive severe congenital neutropenia due to CSF3R deficiency. Also called: Neutropenia, severe congenital, 7, autosomal recessive. Identifiers: Orphanet 420702, MedGen C4310764, MONDO:0014865, OMIM 617014.

gnomAD v4.1: 6 of 1,614,070 alleles (0.00037%); highest among the groups gnomAD compares: African/African-American, 0.0053%; no homozygotes.

Submission:

Labcorp Genetics (formerly Invitae), Labcorp
Classification: Uncertain significance for Autosomal recessive severe congenital neutropenia due to CSF3R deficiency. Last evaluated: 2025-11-23. Review status: criteria provided, single submitter. Criteria: Invitae Variant Classification Sherloc (09022015). Collection method: clinical testing. Allele origin: germline.
Comment: This sequence change replaces cysteine, which is neutral and slightly polar, with arginine, which is basic and polar, at codon 102 of the CSF3R protein (p.Cys102Arg). This variant is present in population databases (rs372702415, gnomAD 0.007%). This variant has not been reported in the literature in individuals affected with CSF3R-related conditions. ClinVar contains an entry for this variant (Variation ID: 3708599). Invitae Evidence Modeling of protein sequence and biophysical properties (such as structural, functional, and spatial information, amino acid conservation, physicochemical variation, residue mobility, and thermodynamic stability) indicates that this missense variant is not expected to disrupt CSF3R protein function with a negative predictive value of 80%. In summary, the available evidence is currently insufficient to determine the role of this variant in disease. Therefore, it has been classified as a Variant of Uncertain Significance.

NM_000760.4(CSF3R):c.304T>C (p.Cys102Arg)

Gene: CSF3R (colony stimulating factor 3 receptor; minus strand). Cytogenetic location: 1p34.3.
Variant type: single nucleotide variant.
Coding change: c.304T>C on transcript NM_000760.4 (MANE Select); coding-DNA position 304, T replaced by C.
Protein change: p.Cys102Arg; replaces cysteine 102 with arginine.
Molecular consequence: missense variant.
Genome position (GRCh38, 1-based): chr1:36,475,434, A>G on the plus strand (T>C on the coding strand, the complement: CSF3R is on the minus strand). VCF-style: chr1-36475434-A-G. GRCh37 (hg19) VCF-style: chr1-36941035-A-G.
Other names: c.304T>C, p.Cys102Arg (NM_156039.3, NM_172313.3); short protein forms C102R.
Identifiers: ClinVar variation 3708599 (VCV003708599.2).
Genomic context (GRCh38, chr1:36,475,434, plus strand): 5'-TACAGCCTGCGCGCAGCTCAACCTGGTCCAGGATCTGCAGGCTGTTGCCCCAGTTCAGGC[A>G]GCAGGAGAGAAAGGCCTGAGTGTGGTTGAGGTGGGGCAGGGTGATGATAGATTCCTGGGT-3'
Protein context (NP_000751.1, residues 92-112): LNHTQAFLSC[Cys102Arg]LNWGNSLQIL